The following is an entry in ClinVar:

NM_000057.4(BLM):c.4214T>C (p.Ile1405Thr)

Gene: BLM (BLM RecQ like helicase; plus strand). Cytogenetic location: 15q26.1.
Variant type: single nucleotide variant.
Coding change: c.4214T>C on transcript NM_000057.4 (MANE Select); coding-DNA position 4214, T replaced by C.
Protein change: p.Ile1405Thr; replaces isoleucine 1405 with threonine.
Molecular consequence: missense variant.
Genome position (GRCh38, 1-based): chr15:90,815,239, T>C. VCF-style: chr15-90815239-T-C. GRCh37 (hg19) VCF-style: chr15-91358469-T-C.
Other names: c.4214T>C, p.Ile1405Thr (NM_001287246.2); c.3821T>C, p.Ile1274Thr (NM_001287247.2); c.3089T>C, p.Ile1030Thr (NM_001287248.2); c.4214T>C (NM_000057.2); short protein forms I1405T, I1274T, I1030T.
Identifiers: ClinVar variation 405276 (VCV000405276.17), dbSNP rs763323767, ClinGen allele CA16614985.
Genomic context (GRCh38, chr15:90,815,239, plus strand): 5'-CTTCTCAAGCGACATCAGGAGCCAATAGCAAATTGGGGATTATGGCTCCACCGAAGCCTA[T>C]AAATAGACCGTTTCTTAAGCCTTCATATGCATTCTCATAACAACCGAATCTCAATGTACA-3'
Protein context (NP_000048.1, residues 1395-1415): KLGIMAPPKP[Ile1405Thr]NRPFLKPSYA

ClinVar aggregate classification (germline): Uncertain significance. Review status: criteria provided, multiple submitters, no conflicts (2 of 4 stars). 4 submissions from 4 submitters: Uncertain significance (3). 1 of the submissions does not count toward it. Last evaluated 2025-11-22.

Conditions:
Hereditary cancer-predisposing syndrome. Also called: Hereditary Cancer Syndrome; Hereditary neoplastic syndrome; Neoplastic Syndromes, Hereditary; Tumor predisposition. Identifiers: Orphanet 140162, MedGen C0027672, MeSH D009386, MONDO:0015356.
Bloom syndrome (BLM). Also called: Bloom-Torre-Machacek syndrome. Identifiers: Orphanet 125, MedGen C0005859, MONDO:0008876, OMIM 210900.

Allele frequency attached by ClinVar (database versions not stated): TOPMed below 0.00001; gnomAD exomes 0.00002.
gnomAD v4.1: 22 of 1,614,194 alleles (0.0014%); highest among the groups gnomAD compares: Non-Finnish European, 0.0019%; no homozygotes.

Submissions (4):

Labcorp Genetics (formerly Invitae), Labcorp
Classification: Uncertain significance for Bloom syndrome. Last evaluated: 2025-11-22. Review status: criteria provided, single submitter. Criteria: Invitae Variant Classification Sherloc (09022015). Collection method: clinical testing. Allele origin: germline.
Comment: This sequence change replaces isoleucine, which is neutral and non-polar, with threonine, which is neutral and polar, at codon 1405 of the BLM protein (p.Ile1405Thr). This variant is not present in population databases (gnomAD no frequency). This missense change has been observed in individual(s) with clinical features of BLM-related conditions (PMID: 31159747). ClinVar contains an entry for this variant (Variation ID: 405276). An algorithm developed to predict the effect of missense changes on protein structure and function (PolyPhen-2) suggests that this variant is likely to be tolerated. In summary, the available evidence is currently insufficient to determine the role of this variant in disease. Therefore, it has been classified as a Variant of Uncertain Significance.

Ambry Genetics
Classification: Uncertain significance for Hereditary cancer-predisposing syndrome. Last evaluated: 2025-09-26. Review status: criteria provided, single submitter. Criteria: Ambry Variant Classification Scheme 2023. Collection method: clinical testing. Allele origin: germline.
Comment: The p.I1405T variant (also known as c.4214T>C), located in coding exon 21 of the BLM gene, results from a T to C substitution at nucleotide position 4214. The isoleucine at codon 1405 is replaced by threonine, an amino acid with similar properties. This amino acid position is poorly conserved in available vertebrate species. In addition, this alteration is predicted to be tolerated by in silico analysis. Since supporting evidence is limited at this time, the clinical significance of this alteration remains unclear.

GeneKor MSA
Classification: Uncertain significance for Hereditary cancer-predisposing syndrome. Last evaluated: 2018-08-01. Review status: criteria provided, single submitter. Criteria: ACMG Guidelines, 2015. Collection method: clinical testing. Allele origin: germline.

Natera, Inc.
Classification: Uncertain significance for Bloom syndrome. Last evaluated: 2021-05-06. Review status: no assertion criteria provided. Collection method: clinical testing. Allele origin: germline. Not counted in ClinVar's aggregate classification.

Literature cited by the submitters: PubMed 31159747 (cited by Labcorp Genetics (formerly Invitae), Labcorp).